The following is an entry in ClinVar:

NM_004415.4(DSP):c.8565T>G (p.Asn2855Lys)

Gene: DSP (desmoplakin; plus strand). Cytogenetic location: 6p24.3.
Variant type: single nucleotide variant.
Coding change: c.8565T>G on transcript NM_004415.4 (MANE Select); coding-DNA position 8565, T replaced by G.
Protein change: p.Asn2855Lys; replaces asparagine 2855 with lysine.
Molecular consequence: missense variant.
Genome position (GRCh38, 1-based): chr6:7,585,827, T>G. VCF-style: chr6-7585827-T-G. GRCh37 (hg19) VCF-style: chr6-7586060-T-G.
Other names: c.6768T>G, p.Asn2256Lys (NM_001008844.3); c.7236T>G, p.Asn2412Lys (NM_001319034.2); short protein forms N2256K, N2412K, N2855K.
Identifiers: ClinVar variation 2502078 (VCV002502078.4), dbSNP rs2533953132, ClinGen allele CA362695390.

ClinVar aggregate classification (germline): Uncertain significance. Review status: criteria provided, multiple submitters, no conflicts (2 of 4 stars). 4 submissions from 4 submitters: Uncertain significance (4). Last evaluated 2025-07-20.

Conditions:
Cardiomyopathy (CMYO). Also called: Cardiomyopathies. Identifiers: Orphanet 167848, MedGen C0878544, MONDO:0004994, HP:0001638. Inheritance: Various modes of inheritance.
Cardiovascular phenotype. Identifiers: MedGen CN230736.
Arrhythmogenic cardiomyopathy with wooly hair and keratoderma. Also called: PALMOPLANTAR KERATODERMA WITH LEFT VENTRICULAR CARDIOMYOPATHY AND WOOLLY HAIR; Carvajal syndrome; Dilated cardiomyopathy with woolly hair and keratoderma; Arrhythmogenic cardiomyopathy with woolly hair and keratoderma. Identifiers: Orphanet 65282, MedGen C1854063, MONDO:0011581, OMIM 605676.

Allele frequency attached by ClinVar (database versions not stated): gnomAD exomes below 0.00001.
gnomAD v4.1: 4 of 1,612,860 alleles (0.00025%); highest among the groups gnomAD compares: Non-Finnish European, 0.00034%; no homozygotes.

Submissions (4):

Color Diagnostics, LLC DBA Color Health
Classification: Uncertain significance for Cardiomyopathy. Last evaluated: 2025-07-20. Review status: criteria provided, single submitter. Criteria: ACMG Guidelines, 2015. Collection method: clinical testing. Allele origin: germline.
Comment: This missense variant replaces asparagine with lysine at codon 2855 of the DSP protein. Computational prediction suggests that this variant may not impact protein structure and function. To our knowledge, functional studies have not been reported for this variant. This variant has not been reported in individuals affected with DSP-related disorders in the literature. This variant has not been identified in the general population by the Genome Aggregation Database (gnomAD). The available evidence is insufficient to determine the role of this variant in disease conclusively. Therefore, this variant is classified as a Variant of Uncertain Significance.

Ambry Genetics
Classification: Uncertain significance for Cardiovascular phenotype. Last evaluated: 2024-02-22. Review status: criteria provided, single submitter. Criteria: Ambry Variant Classification Scheme 2023. Collection method: clinical testing. Allele origin: germline.
Comment: The p.N2855K variant (also known as c.8565T>G), located in coding exon 24 of the DSP gene, results from a T to G substitution at nucleotide position 8565. The asparagine at codon 2855 is replaced by lysine, an amino acid with similar properties. This amino acid position is conserved. In addition, this alteration is predicted to be tolerated by in silico analysis. Based on the available evidence, the clinical significance of this alteration remains unclear.

All of Us Research Program, National Institutes of Health
Classification: Uncertain significance for Arrhythmogenic cardiomyopathy with wooly hair and keratoderma. Last evaluated: 2023-11-30. Review status: criteria provided, single submitter. Criteria: ACMG Guidelines, 2015. Collection method: clinical testing. Allele origin: germline. Inheritance: Autosomal dominant inheritance. Observed: 2 variant alleles, 2 heterozygotes.
Comment: This missense variant replaces asparagine with lysine at codon 2855 of the DSP protein. Computational prediction suggests that this variant may not impact protein structure and function (internally defined REVEL score threshold <= 0.5, PMID: 27666373). To our knowledge, functional studies have not been reported for this variant. This variant has not been reported in individuals affected with DSP-related disorders in the literature. This variant has not been identified in the general population by the Genome Aggregation Database (gnomAD). The available evidence is insufficient to determine the role of this variant in disease conclusively. Therefore, this variant is classified as a Variant of Uncertain Significance.

This study involves interpretation of variants in research participants for the purpose of population health screening. Participant phenotype was not available at the time of variant classification. Additional details can be found in publication PMID: 35346344, PMCID: PMC8962531

GeneDx
Classification: Uncertain significance. Last evaluated: 2022-11-14. Review status: criteria provided, single submitter. Criteria: GeneDx Variant Classification Process June 2021. Collection method: clinical testing. Allele origin: germline. Affected: yes.
Comment: Not observed at significant frequency in large population cohorts (gnomAD); In silico analysis supports that this missense variant does not alter protein structure/function; Has not been previously published as pathogenic or benign to our knowledge